The following is an entry in ClinVar:

ClinVar aggregate classification (germline): Uncertain significance (1 of 4 stars; one submission).

Allele frequency attached by ClinVar (database versions not stated): gnomAD exomes below 0.00001; TOPMed below 0.00001.
gnomAD v4.1: 4 of 1,610,700 alleles (0.00025%); highest among the groups gnomAD compares: Non-Finnish European, 0.00034%; no homozygotes.

Submission:

GeneDx
Classification: Uncertain significance. Last evaluated: 2019-08-19. Review status: criteria provided, single submitter. Criteria: GeneDx Variant Classification Process June 2021. Collection method: clinical testing. Allele origin: germline. Affected: yes.
Comment: Not observed in large population cohorts (Lek et al., 2016); In silico analysis, which includes protein predictors and evolutionary conservation, supports that this variant does not alter protein structure/function; Has not been previously published as pathogenic or benign to our knowledge

NM_006129.5(BMP1):c.1466C>T (p.Ala489Val)

Genes: BMP1 (bone morphogenetic protein 1; plus strand), LOC113788269 (BRD4-independent group 4 enhancer GRCh37_chr8:22052064-22053263; plus strand). Cytogenetic location: 8p21.3.
Variant type: single nucleotide variant.
Coding change: c.1466C>T on transcript NM_006129.5 (MANE Select); coding-DNA position 1466, C replaced by T.
Protein change: p.Ala489Val; replaces alanine 489 with valine.
Molecular consequence: missense variant. On other transcripts: non-coding transcript variant (2).
Genome position (GRCh38, 1-based): chr8:22,194,746, C>T. VCF-style: chr8-22194746-C-T. GRCh37 (hg19) VCF-style: chr8-22052259-C-T.
Other names: c.1466C>T, p.Ala489Val (NM_001199.4); short protein forms A489V.
Identifiers: ClinVar variation 1308132 (VCV001308132.2), dbSNP rs1181136650, ClinGen allele CA370493954.